The following is an entry in ClinVar:

ClinVar aggregate classification (germline): Uncertain significance (1 of 4 stars; one submission).

Conditions:
Cardiovascular phenotype. Identifiers: MedGen CN230736.

Submission:

Ambry Genetics
Classification: Uncertain significance for Cardiovascular phenotype. Last evaluated: 2025-09-11. Review status: criteria provided, single submitter. Criteria: Ambry Variant Classification Scheme 2023. Collection method: clinical testing. Allele origin: germline.
Comment: The p.A221T variant (also known as c.661G>A), located in coding exon 4 of the CBL gene, results from a G to A substitution at nucleotide position 661. The alanine at codon 221 is replaced by threonine, an amino acid with similar properties. This amino acid position is conserved. In addition, this alteration is predicted to be deleterious by in silico analysis. Based on the available evidence, the clinical significance of this variant remains unclear.

NM_005188.4(CBL):c.661G>A (p.Ala221Thr)

Gene: CBL (Cbl proto-oncogene; plus strand). Cytogenetic location: 11q23.3.
Variant type: single nucleotide variant.
Coding change: c.661G>A on transcript NM_005188.4 (MANE Select); coding-DNA position 661, G replaced by A.
Protein change: p.Ala221Thr; replaces alanine 221 with threonine.
Molecular consequence: missense variant.
Genome position (GRCh38, 1-based): chr11:119,273,938, G>A. VCF-style: chr11-119273938-G-A. GRCh37 (hg19) VCF-style: chr11-119144648-G-A.
Other names: short protein forms A221T.
Identifiers: ClinVar variation 4219935 (VCV004219935.1).